The following is an entry in ClinVar:

ClinVar aggregate classification (germline): Uncertain significance (1 of 4 stars; one submission).

Allele frequency attached by ClinVar (database versions not stated): TOPMed 0.00001.

Submission:

Labcorp Genetics (formerly Invitae), Labcorp
Classification: Uncertain significance. Last evaluated: 2022-03-09. Review status: criteria provided, single submitter. Criteria: Invitae Variant Classification Sherloc (09022015). Collection method: clinical testing. Allele origin: germline.
Comment: In summary, the available evidence is currently insufficient to determine the role of this variant in disease. Therefore, it has been classified as a Variant of Uncertain Significance. Algorithms developed to predict the effect of missense changes on protein structure and function are either unavailable or do not agree on the potential impact of this missense change (SIFT: "Tolerated"; PolyPhen-2: "Probably Damaging"; Align-GVGD: "Class C0"). This variant has not been reported in the literature in individuals affected with SFRP4-related conditions. This variant is not present in population databases (gnomAD no frequency). This sequence change replaces arginine, which is basic and polar, with serine, which is neutral and polar, at codon 28 of the SFRP4 protein (p.Arg28Ser).

NM_003014.4(SFRP4):c.82C>A (p.Arg28Ser)

Gene: SFRP4 (secreted frizzled related protein 4; minus strand). Cytogenetic location: 7p14.1.
Variant type: single nucleotide variant.
Coding change: c.82C>A on transcript NM_003014.4 (MANE Select); coding-DNA position 82, C replaced by A.
Protein change: p.Arg28Ser; replaces arginine 28 with serine.
Molecular consequence: missense variant.
Genome position (GRCh38, 1-based): chr7:37,916,456, G>T on the plus strand (C>A on the coding strand, the complement: SFRP4 is on the minus strand). VCF-style: chr7-37916456-G-T. GRCh37 (hg19) VCF-style: chr7-37956058-G-T.
Other names: short protein forms R28S.
Identifiers: ClinVar variation 2175014 (VCV002175014.4), dbSNP rs1401111950, ClinGen allele CA367221130.
Genomic context (GRCh38, chr7:37,916,456, plus strand): 5'-GGTGCAGGTGGTTGGGCATCCGCGTGATGTTCCAGGGCATGTGCCGGCACATAGGGATGC[G>T]CACCGCCTCGCAGGGCGCGCCGCGCACGCCCAGCGCCAGGTGCAGCCACAGGCACAGCGC-3'
Protein context (NP_003005.2, residues 18-38): GVRGAPCEAV[Arg28Ser]IPMCRHMPWN